The following is an entry in ClinVar:

NM_000321.3(RB1):c.130C>G (p.Leu44Val)

Gene: RB1 (RB transcriptional corepressor 1; plus strand). Cytogenetic location: 13q14.2.
Variant type: single nucleotide variant.
Coding change: c.130C>G on transcript NM_000321.3 (MANE Select); coding-DNA position 130, C replaced by G.
Protein change: p.Leu44Val; replaces leucine 44 with valine.
Molecular consequence: missense variant.
Genome position (GRCh38, 1-based): chr13:48,304,042, C>G. VCF-style: chr13-48304042-C-G. GRCh37 (hg19) VCF-style: chr13-48878178-C-G.
Other names: c.130C>G (NM_000321.2); short protein forms L44V.
Identifiers: ClinVar variation 1054272 (VCV001054272.14), dbSNP rs1345893304, ClinGen allele CA388250392.

ClinVar aggregate classification (germline): Conflicting classifications of pathogenicity. Review status: criteria provided, conflicting classifications (1 of 4 stars). 5 submissions from 5 submitters: Uncertain significance (4); Likely benign (1). Last evaluated 2026-09-11.

Conditions:
Malignant tumor of urinary bladder. Also called: Bladder cancer; Urinary bladder cancer; Urinary Bladder Neoplasms. Identifiers: MedGen C0005684, MONDO:0001187, OMIM 109800.
Hereditary cancer-predisposing syndrome. Also called: Tumor predisposition; Hereditary Cancer Syndrome; Hereditary neoplastic syndrome; Neoplastic Syndromes, Hereditary. Identifiers: Orphanet 140162, MedGen C0027672, MeSH D009386, MONDO:0015356.
Retinoblastoma (RB1). Also called: RETINOBLASTOMA, SOMATIC. Identifiers: Orphanet 790, MedGen C0035335, MeSH D012175, MONDO:0008380, OMIM 180200, HP:0009919. Disease mechanism: loss of function. Inheritance: Both sporadic and heritable forms are tested..

Allele frequency attached by ClinVar (database versions not stated): gnomAD exomes below 0.00001.
gnomAD v4.1: 1 of 1,452,908 alleles (0.000069%); highest among the groups gnomAD compares: Non-Finnish European, 0.00009%; no homozygotes.

Submissions (5):

Ambry Genetics
Classification: Likely benign for Hereditary cancer-predisposing syndrome. Last evaluated: 2026-09-11. Review status: criteria provided, single submitter. Criteria: Ambry Variant Classification Scheme 2023. Collection method: clinical testing. Allele origin: germline.

Labcorp Genetics (formerly Invitae), Labcorp
Classification: Uncertain significance for Retinoblastoma. Last evaluated: 2025-01-26. Review status: criteria provided, single submitter. Criteria: Invitae Variant Classification Sherloc (09022015). Collection method: clinical testing. Allele origin: germline.
Comment: This sequence change replaces leucine, which is neutral and non-polar, with valine, which is neutral and non-polar, at codon 44 of the RB1 protein (p.Leu44Val). This variant is not present in population databases (gnomAD no frequency). This variant has not been reported in the literature in individuals affected with RB1-related conditions. ClinVar contains an entry for this variant (Variation ID: 1054272). Invitae Evidence Modeling of protein sequence and biophysical properties (such as structural, functional, and spatial information, amino acid conservation, physicochemical variation, residue mobility, and thermodynamic stability) has been performed for this missense variant. However, the output from this modeling did not meet the statistical confidence thresholds required to predict the impact of this variant on RB1 protein function. In summary, the available evidence is currently insufficient to determine the role of this variant in disease. Therefore, it has been classified as a Variant of Uncertain Significance.

All of Us Research Program, National Institutes of Health
Classification: Uncertain significance for Retinoblastoma. Last evaluated: 2023-10-02. Review status: criteria provided, single submitter. Criteria: ACMG Guidelines, 2015. Collection method: clinical testing. Allele origin: germline. Inheritance: Autosomal dominant inheritance. Observed: 1 variant allele, 1 heterozygote.
Comment: This missense variant replaces leucine with valine at codon 44 of the RB1 protein. Computational prediction suggests that this variant may not impact protein structure and function (internally defined REVEL score threshold <= 0.5, PMID: 27666373). To our knowledge, functional studies have not been reported for this variant. This variant has not been reported in individuals affected with RB1-related disorders in the literature. This variant has not been identified in the general population by the Genome Aggregation Database (gnomAD). The available evidence is insufficient to determine the role of this variant in disease conclusively. Therefore, this variant is classified as a Variant of Uncertain Significance.

This study involves interpretation of variants in research participants for the purpose of population health screening. Participant phenotype was not available at the time of variant classification. Additional details can be found in publication PMID: 35346344, PMCID: PMC8962531

Baylor Genetics
Classification: Uncertain significance for Malignant tumor of urinary bladder. Last evaluated: 2023-09-29. Review status: criteria provided, single submitter. Criteria: ACMG Guidelines, 2015. Collection method: clinical testing. Allele origin: unknown.

Color Diagnostics, LLC DBA Color Health
Classification: Uncertain significance for Retinoblastoma. Last evaluated: 2023-08-16. Review status: criteria provided, single submitter. Criteria: ACMG Guidelines, 2015. Collection method: clinical testing. Allele origin: germline.
Comment: This missense variant replaces leucine with valine at codon 44 of the RB1 protein. Computational prediction suggests that this variant may not impact protein structure and function (internally defined REVEL score threshold <= 0.5, PMID: 27666373). To our knowledge, functional studies have not been reported for this variant. This variant has not been reported in individuals affected with RB1-related disorders in the literature. This variant has not been identified in the general population by the Genome Aggregation Database (gnomAD). The available evidence is insufficient to determine the role of this variant in disease conclusively. Therefore, this variant is classified as a Variant of Uncertain Significance.